The following is an entry in ClinVar:

ClinVar aggregate classification (germline): Benign. Review status: criteria provided, single submitter (1 of 4 stars). 2 submissions from 2 submitters: Benign (1). 1 of the submissions does not count toward it. Last evaluated 2022-09-01.

Submissions (2):

CeGaT Center for Human Genetics Tuebingen
Classification: Benign. Last evaluated: 2022-09-01. Review status: criteria provided, single submitter. Criteria: CeGaT Center For Human Genetics Tuebingen Variant Classification Criteria Version 2. Collection method: clinical testing. Allele origin: germline. Affected: yes. Observed: 1 variant allele.
Comment: PPP2R2B: BS1, BS2

Department of Pathology and Laboratory Medicine, Sinai Health System
Classification: Uncertain significance. Review status: no assertion criteria provided. Collection method: clinical testing. Allele origin: unknown. Affected: yes. Study: The Canadian Open Genetics Repository (COGR). Not counted in ClinVar's aggregate classification.
Comment: The PPP2R2B p.Ser14_Ser19del variant was not identified in the literature nor was it identified in dbSNP, ClinVar, Cosmic, LOVD 3.0 or in the following control databases: the 1000 Genomes Project, the NHLBI GO Exome Sequencing Project, the Exome Aggregation Consortium (August 8th 2016), or the Genome Aggregation Database (Feb 27, 2017). This variant is an in-frame deletion resulting in the removal of six serine (ser) residues from codon 14 to 19; the impact of this alteration on PPP2R2B protein function is not known. In summary, based on the above information the clinical significance of this variant cannot be determined with certainty at this time. This variant is classified as a variant of uncertain significance.

NM_181674.3(PPP2R2B):c.75-562AGC[4]

Genes: PPP2R2B (protein phosphatase 2 regulatory subunit Bbeta; minus strand), LOC108660405 (protein phosphatase 2 regulatory subunit Bbeta repeat instability region; plus strand). Cytogenetic location: 5q32.
Variant type: Microsatellite.
Coding change: c.75-562AGC[4] on transcript NM_181674.3; four copies in a row of the 3-base unit AGC starting at c.75-562; the reference has ten copies in a row; six copies, 18 bases deleted.
Molecular consequence: intron variant.
Genome position (GRCh38, 1-based): chr5:146,878,728-146,878,745, GCTGCTGCTGCTGCTGCT deleted on the plus strand (AGCAGCAGCAGCAGCAGC on the coding strand, the reverse complement: PPP2R2B is on the minus strand); deleting any 18 consecutive bases within chr5:146,878,728-146,878,759 gives the same sequence; the position shown is the placement nearest the transcript's 3' end. VCF-style (leftmost placement, unchanged base first): chr5-146878727-AGCTGCTGCTGCTGCTGCT-A. GRCh37 (hg19) VCF-style: chr5-146258290-AGCTGCTGCTGCTGCTGCT-A.
Other names: c.51-562AGC[4] (NM_001271900.2); c.79+176908AGC[4] (NM_181676.3); c.89-177615AGC[4] (NM_001271899.1); c.-48-22174AGC[4] (NM_181678.2); c.10+156412AGC[4] (NM_181677.2).
Identifiers: ClinVar variation 1050601 (VCV001050601.25), dbSNP rs10591869, ClinGen allele CA805283297.
Genomic context (GRCh38, chr5:146,878,727, plus strand): 5'-GGCAGGGCGCTGCAGCCGGCGCCAGCGCACTCACCCTCACACCCACACGCGCGCACTCGC[AGCTGCTGCTGCTGCTGCT>A]GCTGCTGCTGCTGCAGGAGGCTGGAGGCGGCTGGTGCATTAAAGGCGAGGCTCCTCCCAA-3'